The following is an entry in ClinVar:

ClinVar aggregate classification (germline): Uncertain significance (1 of 4 stars; one submission).

Submission:

Labcorp Genetics (formerly Invitae), Labcorp
Classification: Uncertain significance. Last evaluated: 2024-10-23. Review status: criteria provided, single submitter. Criteria: Invitae Variant Classification Sherloc (09022015). Collection method: clinical testing. Allele origin: germline.
Comment: This sequence change replaces arginine, which is basic and polar, with leucine, which is neutral and non-polar, at codon 376 of the RIMS1 protein (p.Arg376Leu). Information on the frequency of this variant in the gnomAD database is not available, as this variant may be reported differently in the database. This variant has not been reported in the literature in individuals affected with RIMS1-related conditions. ClinVar contains an entry for this variant (Variation ID: 1915094). An algorithm developed to predict the effect of missense changes on protein structure and function (PolyPhen-2) suggests that this variant is likely to be tolerated. In summary, the available evidence is currently insufficient to determine the role of this variant in disease. Therefore, it has been classified as a Variant of Uncertain Significance.

NM_014989.7(RIMS1):c.1127_1128delinsTA (p.Arg376Leu)

Gene: RIMS1 (regulating synaptic membrane exocytosis 1; plus strand). Cytogenetic location: 6q13.
Variant type: Indel.
Coding change: c.1127_1128delinsTA on transcript NM_014989.7 (MANE Select); coding-DNA positions 1127 to 1128, GC replaced by TA.
Protein change: p.Arg376Leu; replaces arginine 376 with leucine.
Molecular consequence: missense variant.
Genome position (GRCh38, 1-based): chr6:72,182,598-72,182,599, GC replaced by TA. VCF-style: chr6-72182598-GC-TA. GRCh37 (hg19) VCF-style: chr6-72892301-GC-TA.
Other names: short protein forms R376L.
Identifiers: ClinVar variation 1915094 (VCV001915094.5), dbSNP rs2551808010, ClinGen allele CA2580075735.